The following is an entry in ClinVar:

ClinVar aggregate classification (germline): Benign (1 of 4 stars; one submission).

Allele frequency attached by ClinVar (database versions not stated): gnomAD 0.02662 and 0.02833; TOPMed 0.03059; 1000 Genomes Project 0.03115; 1000 Genomes Project 30x 0.03389.
gnomAD v4.1: 4,011 of 152,252 alleles (2.6%); highest among the groups gnomAD compares: African/African-American, 9%; 176 homozygotes.

Submission:

GeneDx
Classification: Benign. Last evaluated: 2018-06-16. Review status: criteria provided, single submitter. Criteria: GeneDx Variant Classification (06012015). Collection method: clinical testing. Allele origin: germline. Affected: yes.
Comment: This variant is considered likely benign or benign based on one or more of the following criteria: it is a conservative change, it occurs at a poorly conserved position in the protein, it is predicted to be benign by multiple in silico algorithms, and/or has population frequency not consistent with disease.

NM_020778.5(ALPK3):c.4773-293G>A

Gene: ALPK3 (alpha kinase 3; plus strand). Cytogenetic location: 15q25.3.
Variant type: single nucleotide variant.
Coding change: c.4773-293G>A on transcript NM_020778.5 (MANE Select); 293 bases into the intron before coding-DNA position 4773, G replaced by A.
Molecular consequence: intron variant.
Genome position (GRCh38, 1-based): chr15:84,867,818, G>A. VCF-style: chr15-84867818-G-A. GRCh37 (hg19) VCF-style: chr15-85411049-G-A.
Identifiers: ClinVar variation 669777 (VCV000669777.1), dbSNP rs79061571, ClinGen allele CA273635154.